The following is an entry in ClinVar:

ClinVar aggregate classification (germline): Benign/Likely benign. Review status: criteria provided, multiple submitters, no conflicts (2 of 4 stars). 3 submissions from 3 submitters: Benign (1); Likely benign (2). Last evaluated 2024-04-02.

Conditions:
Hereditary cancer-predisposing syndrome. Also called: Neoplastic Syndromes, Hereditary; Hereditary Cancer Syndrome; Tumor predisposition; Hereditary neoplastic syndrome. Identifiers: Orphanet 140162, MedGen C0027672, MeSH D009386, MONDO:0015356.
Familial adenomatous polyposis 1 (FAP1). Also called: FAMILIAL ADENOMATOUS POLYPOSIS 1, ATTENUATED; POLYPOSIS, ADENOMATOUS INTESTINAL. Identifiers: MedGen C2713442, MONDO:0021056, OMIM 175100. Disease mechanism: loss of function.

Submissions (3):

Myriad Genetics, Inc.
Classification: Benign for Familial adenomatous polyposis 1. Last evaluated: 2024-04-02. Review status: criteria provided, single submitter. Criteria: Myriad Autosomal Dominant, Autosomal Recessive and X-Linked Classification Criteria (2023). Collection method: clinical testing. Allele origin: unknown.
Comment: This variant is considered benign. This variant is a silent/synonymous amino acid change and it is not expected to impact splicing.

Labcorp Genetics (formerly Invitae), Labcorp
Classification: Likely benign for Familial adenomatous polyposis 1. Last evaluated: 2023-07-17. Review status: criteria provided, single submitter. Criteria: Invitae Variant Classification Sherloc (09022015). Collection method: clinical testing. Allele origin: germline.

Color Diagnostics, LLC DBA Color Health
Classification: Likely benign for Hereditary cancer-predisposing syndrome. Last evaluated: 2019-01-02. Review status: criteria provided, single submitter. Criteria: ACMG Guidelines, 2015. Collection method: clinical testing. Allele origin: germline.

NM_000038.6(APC):c.5661T>C (p.Asn1887=)

Gene: APC (APC regulator of Wnt signaling pathway; plus strand). Cytogenetic location: 5q22.2.
Variant type: single nucleotide variant.
Coding change: c.5661T>C on transcript NM_000038.6 (MANE Select); coding-DNA position 5661, T replaced by C.
Protein change: p.Asn1887=; no amino-acid change (asparagine 1887 retained).
Molecular consequence: synonymous variant.
Genome position (GRCh38, 1-based): chr5:112,841,255, T>C. VCF-style: chr5-112841255-T-C. GRCh37 (hg19) VCF-style: chr5-112176952-T-C.
Other names: c.5661T>C, p.Asn1887= (NM_001127510.3, NM_001354895.2); c.5607T>C, p.Asn1869= (NM_001127511.3); c.5715T>C, p.Asn1905= (NM_001354896.2); c.5691T>C, p.Asn1897= (NM_001354897.2); c.5586T>C, p.Asn1862= (NM_001354898.2); c.5577T>C, p.Asn1859= (NM_001354899.2); c.5538T>C, p.Asn1846= (NM_001354900.2); c.5484T>C, p.Asn1828= (NM_001354901.2); and 5 more.
Identifiers: ClinVar variation 927457 (VCV000927457.6), dbSNP rs1766001708, ClinGen allele CA446208995.